The following is an entry in ClinVar:

NM_002775.5(HTRA1):c.543del (p.Ala182fs)

Gene: HTRA1 (HtrA serine peptidase 1; plus strand). Cytogenetic location: 10q26.13.
Variant type: Deletion.
Coding change: c.543del on transcript NM_002775.5 (MANE Select); coding-DNA position 543, one base deleted (T; older notation c.543delT).
Protein change: p.Ala182fs; shifts the reading frame from alanine 182.
Molecular consequence: frameshift variant.
Genome position (GRCh38, 1-based): chr10:122,488,972, T deleted. VCF-style (leftmost placement, unchanged base first): chr10-122488971-CT-C. GRCh37 (hg19) VCF-style: chr10-124248487-CT-C.
Other names: short protein forms A182fs.
Identifiers: ClinVar variation 523574 (VCV000523574.6), dbSNP rs1273355332, ClinGen allele CA658797547.

ClinVar aggregate classification (germline): Pathogenic. Review status: criteria provided, multiple submitters, no conflicts (2 of 4 stars). 2 submissions from 2 submitters: Pathogenic (2). Last evaluated 2024-01-09.

Conditions:
Cerebral arteriopathy, autosomal dominant, with subcortical infarcts and leukoencephalopathy, type 2 (CADASIL2). Identifiers: MedGen C4225211, MONDO:0014768, OMIM 616779.

Allele frequency attached by ClinVar (database versions not stated): gnomAD exomes below 0.00001; TOPMed below 0.00001.

Submissions (2):

Labcorp Genetics (formerly Invitae), Labcorp
Classification: Pathogenic. Last evaluated: 2024-01-09. Review status: criteria provided, single submitter. Criteria: Invitae Variant Classification Sherloc (09022015). Collection method: clinical testing. Allele origin: germline.
Comment: This sequence change creates a premature translational stop signal (p.Ala182Profs*33) in the HTRA1 gene. It is expected to result in an absent or disrupted protein product. Loss-of-function variants in HTRA1 are known to be pathogenic (PMID: 19387015, 29895533). This variant is not present in population databases (gnomAD no frequency). This premature translational stop signal has been observed in individual(s) with cerebral vascular disease (PMID: 29895533). ClinVar contains an entry for this variant (Variation ID: 523574). For these reasons, this variant has been classified as Pathogenic.

Taipei Veterans General Hospital, Neurological Institute
Classification: Pathogenic for Cerebral arteriopathy, autosomal dominant, with subcortical infarcts and leukoencephalopathy, type 2. Last evaluated: 2018-04-13. Review status: criteria provided, single submitter. Criteria: ACMG Guidelines, 2015. Collection method: clinical testing. Allele origin: germline. Affected: yes.

Literature cited by the submitters: PubMed 19387015 (cited by Labcorp Genetics (formerly Invitae), Labcorp); PubMed 29895533 (cited by Labcorp Genetics (formerly Invitae), Labcorp).